The following is an entry in ClinVar:

NM_014844.5(TECPR2):c.2453T>C (p.Val818Ala)

Gene: TECPR2 (tectonin beta-propeller repeat containing 2; plus strand). Cytogenetic location: 14q32.31.
Variant type: single nucleotide variant.
Coding change: c.2453T>C on transcript NM_014844.5 (MANE Select); coding-DNA position 2453, T replaced by C.
Protein change: p.Val818Ala; replaces valine 818 with alanine.
Molecular consequence: missense variant.
Genome position (GRCh38, 1-based): chr14:102,438,080, T>C. VCF-style: chr14-102438080-T-C. GRCh37 (hg19) VCF-style: chr14-102904417-T-C.
Other names: c.2453T>C, p.Val818Ala (NM_001172631.3); short protein forms V818A.
Identifiers: ClinVar variation 971426 (VCV000971426.7), dbSNP rs766994977, ClinGen allele CA7357929.

ClinVar aggregate classification (germline): Uncertain significance. Review status: criteria provided, single submitter (1 of 4 stars). 2 submissions from 2 submitters: Uncertain significance (1). 1 of the submissions does not count toward it. Last evaluated 2024-01-17.

Conditions:
Hereditary spastic paraplegia 49 (HSAN9). Also called: Spastic paraplegia 49, autosomal recessive; NEUROPATHY, HEREDITARY SENSORY AND AUTONOMIC, TYPE IX, WITH DEVELOPMENTAL DELAY; TECPR2-Related Hereditary Sensory and Autonomic Neuropathy with Intellectual Disability. Identifiers: Orphanet 320385, MedGen C5190860, MONDO:0014016, OMIM 615031.

Allele frequency attached by ClinVar (database versions not stated): gnomAD exomes below 0.00001 and 0.00001; TOPMed below 0.00001; ExAC 0.00001.
gnomAD v4.1: 7 of 1,614,120 alleles (0.00043%); highest among the groups gnomAD compares: East Asian, 0.016%; no homozygotes.

Submissions (2):

Labcorp Genetics (formerly Invitae), Labcorp
Classification: Uncertain significance for Hereditary spastic paraplegia 49. Last evaluated: 2024-01-17. Review status: criteria provided, single submitter. Criteria: Invitae Variant Classification Sherloc (09022015). Collection method: clinical testing. Allele origin: germline.
Comment: This sequence change replaces valine, which is neutral and non-polar, with alanine, which is neutral and non-polar, at codon 818 of the TECPR2 protein (p.Val818Ala). This variant is present in population databases (rs766994977, gnomAD 0.02%). This variant has not been reported in the literature in individuals affected with TECPR2-related conditions. ClinVar contains an entry for this variant (Variation ID: 971426). An algorithm developed to predict the effect of missense changes on protein structure and function (PolyPhen-2) suggests that this variant is likely to be disruptive. In summary, the available evidence is currently insufficient to determine the role of this variant in disease. Therefore, it has been classified as a Variant of Uncertain Significance.

Natera, Inc.
Classification: Uncertain significance for Autosomal recessive spastic paraplegia type 49. Last evaluated: 2020-02-26. Review status: no assertion criteria provided. Collection method: clinical testing. Allele origin: germline. Not counted in ClinVar's aggregate classification.